The following is an entry in ClinVar:

ClinVar aggregate classification (germline): Uncertain significance (1 of 4 stars; one submission).

gnomAD v4.1: 5 of 1,613,966 alleles (0.00031%); highest among the groups gnomAD compares: Non-Finnish European, 0.00042%; no homozygotes.

Submission:

GeneDx
Classification: Uncertain significance. Last evaluated: 2023-10-26. Review status: criteria provided, single submitter. Criteria: GeneDx Variant Classification Process June 2021. Collection method: clinical testing. Allele origin: germline. Affected: yes.
Comment: Not observed at significant frequency in large population cohorts (gnomAD); In silico analysis supports that this missense variant does not alter protein structure/function; Has not been previously published as pathogenic or benign to our knowledge

NM_152296.5(ATP1A3):c.1576G>C (p.Glu526Gln)

Gene: ATP1A3 (ATPase Na+/K+ transporting subunit alpha 3; minus strand). Cytogenetic location: 19q13.2.
Variant type: single nucleotide variant.
Coding change: c.1576G>C on transcript NM_152296.5 (MANE Select); coding-DNA position 1576, G replaced by C.
Protein change: p.Glu526Gln; replaces glutamic acid 526 with glutamine.
Molecular consequence: missense variant.
Genome position (GRCh38, 1-based): chr19:41,978,660, C>G on the plus strand (G>C on the coding strand, the complement: ATP1A3 is on the minus strand). VCF-style: chr19-41978660-C-G. GRCh37 (hg19) VCF-style: chr19-42482812-C-G.
Other names: c.1609G>C, p.Glu537Gln (NM_001256213.2); c.1615G>C, p.Glu539Gln (NM_001256214.2); short protein forms E526Q, E537Q, E539Q.
Identifiers: ClinVar variation 3363534 (VCV003363534.1).